The following is an entry in ClinVar:

NM_001040142.2(SCN2A):c.2656T>A (p.Leu886Met)

Gene: SCN2A (sodium voltage-gated channel alpha subunit 2; plus strand). Cytogenetic location: 2q24.3.
Variant type: single nucleotide variant.
Coding change: c.2656T>A on transcript NM_001040142.2 (MANE Select); coding-DNA position 2656, T replaced by A.
Protein change: p.Leu886Met; replaces leucine 886 with methionine.
Molecular consequence: missense variant.
Genome position (GRCh38, 1-based): chr2:165,344,648, T>A. VCF-style: chr2-165344648-T-A. GRCh37 (hg19) VCF-style: chr2-166201158-T-A.
Other names: c.2656T>A, p.Leu886Met (NM_001040143.2, NM_001371246.1, NM_001371247.1 and 1 more transcripts); short protein forms L886M.
Identifiers: ClinVar variation 2951949 (VCV002951949.3), dbSNP rs2468007517, ClinGen allele CA349014199.

ClinVar aggregate classification (germline): Uncertain significance (1 of 4 stars; one submission).

Conditions:
Developmental and epileptic encephalopathy, 11 (DEE11). Also called: Early infantile epileptic encephalopathy 11. Identifiers: Orphanet 1934, MedGen C3150987, MONDO:0013388, OMIM 613721.
Seizures, benign familial infantile, 3 (BFIS3). Also called: Familial neonatal seizures; CONVULSIONS, BENIGN FAMILIAL INFANTILE, 3. Identifiers: Orphanet 140927, Orphanet 306, MedGen C1843140, MONDO:0011904, OMIM 607745.

Submission:

Labcorp Genetics (formerly Invitae), Labcorp
Classification: Uncertain significance for Seizures, benign familial infantile, 3; Developmental and epileptic encephalopathy, 11. Last evaluated: 2023-09-18. Review status: criteria provided, single submitter. Criteria: Invitae Variant Classification Sherloc (09022015). Collection method: clinical testing. Allele origin: germline.
Comment: In summary, the available evidence is currently insufficient to determine the role of this variant in disease. Therefore, it has been classified as a Variant of Uncertain Significance. This sequence change replaces leucine, which is neutral and non-polar, with methionine, which is neutral and non-polar, at codon 886 of the SCN2A protein (p.Leu886Met). This variant is not present in population databases (gnomAD no frequency). This missense change has been observed in individual(s) with SCN2A-related conditions (Invitae). Advanced modeling of protein sequence and biophysical properties (such as structural, functional, and spatial information, amino acid conservation, physicochemical variation, residue mobility, and thermodynamic stability) performed at Invitae indicates that this missense variant is expected to disrupt SCN2A protein function. This variant disrupts the p.Leu886 amino acid residue in SCN2A. Other variant(s) that disrupt this residue have been observed in individuals with SCN2A-related conditions (PMID: 35431799; Invitae), which suggests that this may be a clinically significant amino acid residue.

Literature cited by the submitters: PubMed 35431799.